The following is an entry in ClinVar:

NR_033294.2(SNORD118):n.49T>C

Genes: SNORD118 (small nucleolar RNA, C/D box 118; minus strand), TMEM107 (transmembrane protein 107; minus strand). Cytogenetic location: 17p13.1.
Variant type: single nucleotide variant.
Molecular consequence: non-coding transcript variant (on NR_033294.2). On other transcripts: 3 prime UTR variant (5).
Genome position: GRCh38 VCF-style: chr17-8173540-A-G. GRCh37 (hg19) VCF-style: chr17-8076858-A-G.
Other names: c.*663T>C (NM_001351278.2, NM_001351279.2, NM_001351280.2 and 2 more transcripts).
Identifiers: ClinVar variation 1907444 (VCV001907444.5), dbSNP rs550983276, ClinGen allele CA8370733.

ClinVar aggregate classification (germline): Uncertain significance (1 of 4 stars; one submission).

gnomAD v4.1: 40 of 764,834 alleles (0.0052%); highest among the groups gnomAD compares: African/African-American, 0.051%; no homozygotes.

Submission:

Labcorp Genetics (formerly Invitae), Labcorp
Classification: Uncertain significance. Last evaluated: 2025-11-24. Review status: criteria provided, single submitter. Criteria: Invitae Variant Classification Sherloc (09022015). Collection method: clinical testing. Allele origin: germline.
Comment: This variant occurs in the SNORD118 gene, which encodes an RNA molecule that does not result in a protein product. This variant is present in population databases (rs550983276, gnomAD 0.04%). This variant has not been reported in the literature in individuals affected with SNORD118-related conditions. ClinVar contains an entry for this variant (Variation ID: 1907444). Experimental studies and prediction algorithms are not available or were not evaluated, and the functional significance of this variant is currently unknown. In summary, the available evidence is currently insufficient to determine the role of this variant in disease. Therefore, it has been classified as a Variant of Uncertain Significance.